The following is an entry in ClinVar:

ClinVar aggregate classification (germline): Conflicting classifications of pathogenicity. Review status: criteria provided, conflicting classifications (1 of 4 stars). 4 submissions from 4 submitters: Uncertain significance (1); Likely benign (3). Last evaluated 2026-01-28.

Conditions:
Autosomal recessive nonsyndromic hearing loss 9. Also called: NEUROSENSORY NONSYNDROMIC RECESSIVE DEAFNESS 9; AUDITORY NEUROPATHY, AUTOSOMAL RECESSIVE, 1, TEMPERATURE-SENSITIVE; OTOF-Related Hearing Loss; Deafness, autosomal recessive 9. Identifiers: Orphanet 90636, MedGen C1832828, MONDO:0010986, OMIM 601071.

Allele frequency attached by ClinVar (database versions not stated): ExAC 0.00010; gnomAD 0.00011; gnomAD exomes 0.00014 and 0.00019; ESP Exome Variant Server 0.00015; 1000 Genomes Project 30x 0.00016; TOPMed 0.00018; 1000 Genomes Project 0.00020.
gnomAD v4.1: 289 of 1,612,734 alleles (0.018%); highest among the groups gnomAD compares: Non-Finnish European, 0.023%; no homozygotes.

Submissions (4):

Labcorp Genetics (formerly Invitae), Labcorp
Classification: Likely benign. Last evaluated: 2026-01-28. Review status: criteria provided, single submitter. Criteria: Invitae Variant Classification Sherloc (09022015). Collection method: clinical testing. Allele origin: germline.

Blueprint Genetics
Classification: Likely benign. Last evaluated: 2024-10-21. Review status: criteria provided, single submitter. Criteria: ACMG Guidelines, 2015. Collection method: clinical testing. Allele origin: germline.

Illumina Laboratory Services, Illumina
Classification: Uncertain significance for Autosomal recessive nonsyndromic hearing loss 9. Last evaluated: 2018-01-13. Review status: criteria provided, single submitter. Criteria: ICSL Variant Classification Criteria 13 December 2019. Collection method: clinical testing. Allele origin: germline.

Laboratory for Molecular Medicine, Mass General Brigham Personalized Medicine
Classification: Likely benign. Last evaluated: 2015-08-06. Review status: criteria provided, single submitter. Criteria: LMM Criteria. Collection method: clinical testing. Allele origin: germline. Observed: 3 variant alleles.
Comment: p.Pro659Pro in exon 17 of OTOF: This variant is not expected to have clinical si gnificance because it does not alter an amino acid residue and is not located wi thin the splice consensus sequence. It has been identified in 11/63686 of Europe an chromosomes by the Exome Aggregation Consortium (ExAC; dbSNP rs145589784).

NM_194248.3(OTOF):c.1977G>A (p.Pro659=)

Gene: OTOF (otoferlin; minus strand). Cytogenetic location: 2p23.3.
Variant type: single nucleotide variant.
Coding change: c.1977G>A on transcript NM_194248.3 (MANE Select); coding-DNA position 1977, G replaced by A.
Protein change: p.Pro659=; no amino-acid change (proline 659 retained).
Molecular consequence: synonymous variant.
Genome position (GRCh38, 1-based): chr2:26,479,589, C>T on the plus strand (G>A on the coding strand, the complement: OTOF is on the minus strand). VCF-style: chr2-26479589-C-T. GRCh37 (hg19) VCF-style: chr2-26702457-C-T.
Other names: c.1977G>A, p.Pro659= (NM_001287489.2).
Identifiers: ClinVar variation 48182 (VCV000048182.17), dbSNP rs145589784, ClinGen allele CA142772.